The following is an entry in ClinVar:

NM_003482.4(KMT2D):c.1749T>G (p.Pro583=)

Gene: KMT2D (lysine methyltransferase 2D; minus strand). Cytogenetic location: 12q13.12.
Variant type: single nucleotide variant.
Coding change: c.1749T>G on transcript NM_003482.4 (MANE Select); coding-DNA position 1749, T replaced by G.
Protein change: p.Pro583=; no amino-acid change (proline 583 retained).
Molecular consequence: synonymous variant.
Genome position (GRCh38, 1-based): chr12:49,051,934, A>C on the plus strand (T>G on the coding strand, the complement: KMT2D is on the minus strand). VCF-style: chr12-49051934-A-C. GRCh37 (hg19) VCF-style: chr12-49445717-A-C.
Identifiers: ClinVar variation 3029193 (VCV003029193.4), dbSNP rs774536143, ClinGen allele CA6548427.

ClinVar aggregate classification (germline): Likely benign. Review status: criteria provided, single submitter (1 of 4 stars). 2 submissions from 2 submitters: Likely benign (1). 1 of the submissions does not count toward it. Last evaluated 2024-11-27.

Conditions:
KMT2D-related disorder. Also called: KMT2D-Related Disorders.
Kabuki syndrome. Also called: Kabuki make-up syndrome; NIIKAWA-KUROKI SYNDROME. Identifiers: Orphanet 2322, MedGen C0796004, MONDO:0016512.

Allele frequency attached by ClinVar (database versions not stated): gnomAD 0.00003.
gnomAD v4.1: 10 of 1,601,934 alleles (0.00062%); highest among the groups gnomAD compares: African/African-American, 0.013%; no homozygotes.

Submissions (2):

Labcorp Genetics (formerly Invitae), Labcorp
Classification: Likely benign for Kabuki syndrome. Last evaluated: 2024-11-27. Review status: criteria provided, single submitter. Criteria: Invitae Variant Classification Sherloc (09022015). Collection method: clinical testing. Allele origin: germline.

PreventionGenetics, part of Exact Sciences
Classification: Likely benign for KMT2D-related condition. Last evaluated: 2022-01-15. Review status: no assertion criteria provided. Collection method: clinical testing. Allele origin: germline. Not counted in ClinVar's aggregate classification.
Comment: This variant is classified as likely benign based on ACMG/AMP sequence variant interpretation guidelines (Richards et al. 2015 PMID: 25741868, with internal and published modifications).